The following is an entry in ClinVar:

NM_001277115.2(DNAH11):c.9448C>T (p.Arg3150Trp)

Gene: DNAH11 (dynein axonemal heavy chain 11; plus strand). Cytogenetic location: 7p15.3.
Variant type: single nucleotide variant.
Coding change: c.9448C>T on transcript NM_001277115.2 (MANE Select); coding-DNA position 9448, C replaced by T.
Protein change: p.Arg3150Trp; replaces arginine 3150 with tryptophan.
Molecular consequence: missense variant.
Genome position (GRCh38, 1-based): chr7:21,779,069, C>T. VCF-style: chr7-21779069-C-T. GRCh37 (hg19) VCF-style: chr7-21818687-C-T.
Other names: c.9469C>T, p.Arg3157Trp (NM_003777.3); short protein forms R3150W, R3157W.
Identifiers: ClinVar variation 1766978 (VCV001766978.7), dbSNP rs761102719, ClinGen allele CA4181965.

ClinVar aggregate classification (germline): Conflicting classifications of pathogenicity. Review status: criteria provided, conflicting classifications (1 of 4 stars). 2 submissions from 2 submitters: Uncertain significance (1); Benign (1). Last evaluated 2026-01-20.

Conditions:
Primary ciliary dyskinesia. Also called: Ciliary dyskinesia. Identifiers: Orphanet 244, MedGen C0008780, MONDO:0016575, HP:0012265.

Allele frequency attached by ClinVar (database versions not stated): gnomAD 0.00001.
gnomAD v4.1: 30 of 1,613,028 alleles (0.0019%); highest among the groups gnomAD compares: South Asian, 0.016%; no homozygotes.

Submissions (2):

Labcorp Genetics (formerly Invitae), Labcorp
Classification: Benign for Primary ciliary dyskinesia. Last evaluated: 2026-01-20. Review status: criteria provided, single submitter. Criteria: Invitae Variant Classification Sherloc (09022015). Collection method: clinical testing. Allele origin: germline.

Ambry Genetics
Classification: Uncertain significance for Primary ciliary dyskinesia. Last evaluated: 2022-03-03. Review status: criteria provided, single submitter. Criteria: Ambry Variant Classification Scheme 2023. Collection method: clinical testing. Allele origin: germline.
Comment: The p.R3150W variant (also known as c.9448C>T), located in coding exon 57 of the DNAH11 gene, results from a C to T substitution at nucleotide position 9448. The arginine at codon 3150 is replaced by tryptophan, an amino acid with dissimilar properties. This amino acid position is conserved. In addition, the in silico prediction for this alteration is inconclusive. Since supporting evidence is limited at this time, the clinical significance of this alteration remains unclear.